The following is an entry in ClinVar:

NM_001382391.1(CSPP1):c.1793C>T (p.Ser598Leu)

Gene: CSPP1 (centrosome and spindle pole associated protein 1; plus strand). Cytogenetic location: 8q13.2.
Variant type: single nucleotide variant.
Coding change: c.1793C>T on transcript NM_001382391.1 (MANE Select); coding-DNA position 1793, C replaced by T.
Protein change: p.Ser598Leu; replaces serine 598 with leucine.
Molecular consequence: missense variant.
Genome position (GRCh38, 1-based): chr8:67,132,046, C>T. VCF-style: chr8-67132046-C-T. GRCh37 (hg19) VCF-style: chr8-68044281-C-T.
Other names: c.896C>T, p.Ser299Leu (NM_001291339.2); c.1712C>T, p.Ser571Leu (NM_001363131.2); c.1751C>T, p.Ser584Leu (NM_001363132.2); c.1670C>T, p.Ser557Leu (NM_001363133.2); c.1859C>T, p.Ser620Leu (NM_001364869.1); c.1679C>T, p.Ser560Leu (NM_001364870.1); c.1778C>T, p.Ser593Leu (NM_024790.7); short protein forms S299L, S557L, S560L, S571L, S584L, S593L, S598L, S620L.
Identifiers: ClinVar variation 1313368 (VCV001313368.7), dbSNP rs752648207, ClinGen allele CA4770656.

ClinVar aggregate classification (germline): Uncertain significance. Review status: criteria provided, multiple submitters, no conflicts (2 of 4 stars). 4 submissions from 4 submitters: Uncertain significance (4). Last evaluated 2025-10-19.

Conditions:
Inborn genetic diseases. Identifiers: MedGen C0950123, MeSH D030342.
Joubert syndrome 21 (JBTS21). Identifiers: MedGen C3810212, MONDO:0014288, OMIM 615636.

Allele frequency attached by ClinVar (database versions not stated): gnomAD 0.00001; TOPMed 0.00003; gnomAD exomes 0.00006 and 0.00007; ExAC 0.00008.
gnomAD v4.1: 92 of 1,613,422 alleles (0.0057%); highest among the groups gnomAD compares: South Asian, 0.053%; 2 homozygotes.

Submissions (4):

Labcorp Genetics (formerly Invitae), Labcorp
Classification: Uncertain significance for Joubert syndrome 21. Last evaluated: 2025-10-19. Review status: criteria provided, single submitter. Criteria: Invitae Variant Classification Sherloc (09022015). Collection method: clinical testing. Allele origin: germline.
Comment: This sequence change replaces serine, which is neutral and polar, with leucine, which is neutral and non-polar, at codon 593 of the CSPP1 protein (p.Ser593Leu). This variant is present in population databases (rs752648207, gnomAD 0.04%). This variant has not been reported in the literature in individuals affected with CSPP1-related conditions. ClinVar contains an entry for this variant (Variation ID: 1313368). An algorithm developed to predict the effect of missense changes on protein structure and function (PolyPhen-2) suggests that this variant is likely to be tolerated. In summary, the available evidence is currently insufficient to determine the role of this variant in disease. Therefore, it has been classified as a Variant of Uncertain Significance.

Ambry Genetics
Classification: Uncertain significance for Inborn genetic diseases. Last evaluated: 2025-06-07. Review status: criteria provided, single submitter. Criteria: Ambry Variant Classification Scheme 2023. Collection method: clinical testing. Allele origin: germline.

Fulgent Genetics
Classification: Uncertain significance for Joubert syndrome 21. Last evaluated: 2022-04-04. Review status: criteria provided, single submitter. Criteria: ACMG Guidelines, 2015. Collection method: clinical testing. Allele origin: unknown.

GeneDx
Classification: Uncertain significance. Last evaluated: 2020-10-19. Review status: criteria provided, single submitter. Criteria: GeneDx Variant Classification Process June 2021. Collection method: clinical testing. Allele origin: germline. Affected: yes.
Comment: In silico analysis supports that this missense variant has a deleterious effect on protein structure/function; Has not been previously published as pathogenic or benign to our knowledge